The following is an entry in ClinVar:

ClinVar aggregate classification (germline): Uncertain significance (1 of 4 stars; one submission).

Conditions:
Epidermolysis bullosa simplex with nail dystrophy (EBS5D). Identifiers: MedGen C4225309, MONDO:0014661, OMIM 616487.
Epidermolysis bullosa simplex, Ogna type (EBS5A). Also called: EPIDERMOLYSIS BULLOSA SIMPLEX 5A, OGNA TYPE; Pidermolysis bullosa simplex 5A, Ogna type. Identifiers: Orphanet 79401, MedGen C0432317, MONDO:0007555, OMIM 131950.
Autosomal recessive limb-girdle muscular dystrophy type 2Q (LGMDR17). Also called: MUSCULAR DYSTROPHY, LIMB-GIRDLE, AUTOSOMAL RECESSIVE 17. Identifiers: Orphanet 254361, MedGen C3150989, MONDO:0013390, OMIM 613723.
Epidermolysis bullosa simplex 5B, with muscular dystrophy (EBS5B). Also called: EPIDERMOLYSIS BULLOSA SIMPLEX AND LIMB-GIRDLE MUSCULAR DYSTROPHY; Epidermolysis bullosa simplex with muscular dystrophy. Identifiers: Orphanet 257, MedGen C2931072, MONDO:0009181, OMIM 226670.
Epidermolysis bullosa simplex 5C, with pyloric atresia (EBS5C). Also called: PLEC1-Related Epidermolysis Bullosa with Pyloric Atresia; PLEC-Related Epidermolysis Bullosa with Pyloric Atresia; Epidermolysis bullosa simplex with pyloric atresia. Identifiers: Orphanet 158684, MedGen C2677349, MONDO:0012807, OMIM 612138.

Submission:

Labcorp Genetics (formerly Invitae), Labcorp
Classification: Uncertain significance for Autosomal recessive limb-girdle muscular dystrophy type 2Q; Epidermolysis bullosa simplex, Ogna type; Epidermolysis bullosa simplex with nail dystrophy; Epidermolysis bullosa simplex 5C, with pyloric atresia; Epidermolysis bullosa simplex 5B, with muscular dystrophy. Last evaluated: 2024-06-19. Review status: criteria provided, single submitter. Criteria: Invitae Variant Classification Sherloc (09022015). Collection method: clinical testing. Allele origin: germline.
Comment: This variant, c.6462_6479del, results in the deletion of 6 amino acid(s) of the PLEC protein (p.Arg2155_Ala2160del), but otherwise preserves the integrity of the reading frame. This variant is not present in population databases (gnomAD no frequency). This variant has not been reported in the literature in individuals affected with PLEC-related conditions. Experimental studies and prediction algorithms are not available or were not evaluated, and the functional significance of this variant is currently unknown. In summary, the available evidence is currently insufficient to determine the role of this variant in disease. Therefore, it has been classified as a Variant of Uncertain Significance.

NM_201384.3(PLEC):c.6381_6398del (p.Arg2128_Ala2133del)

Gene: PLEC (plectin; minus strand). Cytogenetic location: 8q24.3.
Variant type: Deletion.
Coding change: c.6381_6398del on transcript NM_201384.3 (MANE Select); coding-DNA positions 6381 to 6398, 18 bases deleted (CCGGGCTCAGGCACAGGC).
Protein change: p.Arg2128_Ala2133del.
Molecular consequence: inframe deletion. On other transcripts: intron variant (1).
Genome position (GRCh38, 1-based): chr8:143,923,531-143,923,548, GCCTGTGCCTGAGCCCGG deleted on the plus strand (CCGGGCTCAGGCACAGGC on the coding strand, the reverse complement: PLEC is on the minus strand); deleting any 18 consecutive bases within chr8:143,923,531-143,923,559 gives the same sequence; the c. name uses the placement nearest the transcript's 3' end. VCF-style (leftmost placement, unchanged base first): chr8-143923530-CGCCTGTGCCTGAGCCCGG-C. GRCh37 (hg19) VCF-style: chr8-144997698-CGCCTGTGCCTGAGCCCGG-C.
Other names: c.6462_6479del, p.Arg2155_Ala2160del (NM_000445.5); c.6339_6356del, p.Arg2114_Ala2119del (NM_201378.4); c.6315_6332del, p.Arg2106_Ala2111del (NM_201379.3); c.6792_6809del, p.Arg2265_Ala2270del (NM_201380.4); c.6285_6302del, p.Arg2096_Ala2101del (NM_201381.3); c.6381_6398del, p.Arg2128_Ala2133del (NM_201382.4); c.6393_6410del, p.Arg2132_Ala2137del (NM_201383.3); c.4126-1153_4126-1136del (NM_001410941.1).
Identifiers: ClinVar variation 3762936 (VCV003762936.2).
Genomic context (GRCh38, chr8:143,923,530, plus strand): 5'-CTCCGCCTGTGCCCGCCGCGCCGCCTCTTGCTCGGCCTCCTTGCGCAGCTTCTCTGCAGC[CGCCTGTGCCTGAGCCCGG>C]GCCTGTGCCTGCTCCTCTGCCGACTGCTTCAGCCGCTCGGCCTCTTCCACCTGCCGCCGG-3'